The following is an entry in ClinVar:

ClinVar aggregate classification (germline): Uncertain significance (1 of 4 stars; one submission).

Conditions:
Kleefstra syndrome 1 (KLEFS1). Identifiers: Orphanet 261494, MedGen C0795833, MONDO:0027407, OMIM 610253.

Submission:

Laboratorio de Genetica e Diagnostico Molecular, Hospital Israelita Albert Einstein
Classification: Uncertain significance for Kleefstra syndrome 1. Last evaluated: 2022-10-07. Review status: criteria provided, single submitter. Criteria: ACMG Guidelines, 2015. Collection method: clinical testing. Allele origin: germline. Affected: yes.
Comment: ACMG classification criteria: PM2 moderated, PP3 supporting

NM_024757.5(EHMT1):c.2270T>C (p.Met757Thr)

Gene: EHMT1 (euchromatic histone lysine methyltransferase 1; plus strand). Cytogenetic location: 9q34.3.
Variant type: single nucleotide variant.
Coding change: c.2270T>C on transcript NM_024757.5 (MANE Select); coding-DNA position 2270, T replaced by C.
Protein change: p.Met757Thr; replaces methionine 757 with threonine.
Molecular consequence: missense variant.
Genome position (GRCh38, 1-based): chr9:137,779,712, T>C. VCF-style: chr9-137779712-T-C. GRCh37 (hg19) VCF-style: chr9-140674164-T-C.
Other names: c.2270T>C, p.Met757Thr (NM_001145527.2); c.2177T>C, p.Met726Thr (NM_001354259.2); c.2249T>C, p.Met750Thr (NM_001354263.2); short protein forms M726T, M750T, M757T.
Identifiers: ClinVar variation 2431832 (VCV002431832.2), dbSNP rs2542422962, ClinGen allele CA375781052.